The following is an entry in ClinVar:

NM_000503.6(EYA1):c.159T>C (p.Ala53=)

Gene: EYA1 (EYA transcriptional coactivator and phosphatase 1; minus strand). Cytogenetic location: 8q13.3.
Variant type: single nucleotide variant.
Coding change: c.159T>C on transcript NM_000503.6 (MANE Select); coding-DNA position 159, T replaced by C.
Protein change: p.Ala53=; no amino-acid change (alanine 53 retained).
Molecular consequence: synonymous variant. On other transcripts: 5 prime UTR variant (1).
Genome position (GRCh38, 1-based): chr8:71,334,140, A>G on the plus strand (T>C on the coding strand, the complement: EYA1 is on the minus strand). VCF-style: chr8-71334140-A-G. GRCh37 (hg19) VCF-style: chr8-72246375-A-G.
Other names: c.159T>C, p.Ala53= (NM_001288574.2, NM_001370334.1, NM_001370335.1 and 1 more transcripts); c.-126T>C (NM_001288575.2); c.246T>C, p.Ala82= (NM_001370333.1, NM_001370336.1, NM_172059.5).
Identifiers: ClinVar variation 363664 (VCV000363664.5), dbSNP rs768443449, ClinGen allele CA4779873.

ClinVar aggregate classification (germline): Benign/Likely benign. Review status: criteria provided, single submitter (1 of 4 stars). 2 submissions from 1 submitter: Benign (1); Likely benign (1). Last evaluated 2018-01-13.

Conditions:
Otofaciocervical syndrome 1 (OTFCS). Identifiers: MedGen C3714941, MONDO:0024532, OMIM 166780.
Branchiootic syndrome 1 (BOS1). Also called: BO SYNDROME 1; BRANCHIOOTIC DYSPLASIA. Identifiers: MedGen C1865143, MONDO:0011258, OMIM 602588.

Allele frequency attached by ClinVar (database versions not stated): gnomAD 0.00001; gnomAD exomes 0.00001; ExAC 0.00002.
gnomAD v4.1: 18 of 1,613,814 alleles (0.0011%); highest among the groups gnomAD compares: Middle Eastern, 0.017%; no homozygotes.

Submissions (2):

Illumina Laboratory Services, Illumina
Classification: Likely benign for Branchiootic syndrome. Last evaluated: 2018-01-13. Review status: criteria provided, single submitter. Criteria: ICSL Variant Classification Criteria 13 December 2019. Collection method: clinical testing. Allele origin: germline.
Comment: This variant was observed in the ICSL laboratory as part of a predisposition screen in an ostensibly healthy population. It had not been previously curated by ICSL or reported in the Human Gene Mutation Database (HGMD: prior to June 1st, 2018), and was therefore a candidate for classification through an automated scoring system. Utilizing variant allele frequency, disease prevalence and penetrance estimates, and inheritance mode, an automated score was calculated to assess if this variant is too frequent to cause the disease. Based on the score and internal cut-off values, a variant classified as likely benign is not then subjected to further curation. The score for this variant resulted in a classification of likely benign for this disease.

Illumina Laboratory Services, Illumina
Classification: Benign for Otofaciocervical syndrome 1. Last evaluated: 2018-01-13. Review status: criteria provided, single submitter. Criteria: ICSL Variant Classification Criteria 13 December 2019. Collection method: clinical testing. Allele origin: germline.
Comment: This variant was observed in the ICSL laboratory as part of a predisposition screen in an ostensibly healthy population. It had not been previously curated by ICSL or reported in the Human Gene Mutation Database (HGMD: prior to June 1st, 2018), and was therefore a candidate for classification through an automated scoring system. Utilizing variant allele frequency, disease prevalence and penetrance estimates, and inheritance mode, an automated score was calculated to assess if this variant is too frequent to cause the disease. Based on the score and internal cut-off values, a variant classified as benign is not then subjected to further curation. The score for this variant resulted in a classification of benign for this disease.